The following is an entry in ClinVar:

NM_138773.4(SLC25A46):c.193_201dup (p.Gly65_Pro67dup)

Gene: SLC25A46 (solute carrier family 25 member 46; plus strand). Cytogenetic location: 5q22.1.
Variant type: Duplication.
Coding change: c.193_201dup on transcript NM_138773.4 (MANE Select); coding-DNA positions 193 to 201, 9 bases duplicated (GGCGTGCCC; older notation c.193_201dupGGCGTGCCC).
Protein change: p.Gly65_Pro67dup.
Molecular consequence: inframe insertion. On other transcripts: non-coding transcript variant (1), intron variant (1).
Genome position (GRCh38, 1-based): chr5:110,739,312-110,739,320, GGCGTGCCC duplicated; duplicating any 9 consecutive bases within chr5:110,739,311-110,739,320 gives the same sequence; the c. name uses the placement nearest the transcript's 3' end. VCF-style (leftmost placement, unchanged base first): chr5-110739310-A-ACGGCGTGCC. GRCh37 (hg19) VCF-style: chr5-110075011-A-ACGGCGTGCC.
Other names: c.193_201dup, p.Gly65_Pro67dup (NM_001303249.3); c.10+1065_10+1073dup (NM_001303250.3).
Identifiers: ClinVar variation 1522977 (VCV001522977.8), dbSNP rs2150404461, ClinGen allele CA2573138637.

ClinVar aggregate classification (germline): Uncertain significance (1 of 4 stars; one submission).

Conditions:
Neuropathy, hereditary motor and sensory, type 6B (HMSN6B). Also called: HMSN VIB; CHARCOT-MARIE-TOOTH DISEASE, TYPE 6B; Neuropathy, hereditary motor and sensory, type VIB; NEUROPATHY, HEREDITARY MOTOR AND SENSORY, TYPE VIB, WITH OPTIC ATROPHY. Identifiers: MedGen C4225302, MONDO:0014671, OMIM 616505.

Submission:

Labcorp Genetics (formerly Invitae), Labcorp
Classification: Uncertain significance for Neuropathy, hereditary motor and sensory, type 6B. Last evaluated: 2021-04-04. Review status: criteria provided, single submitter. Criteria: Invitae Variant Classification Sherloc (09022015). Collection method: clinical testing. Allele origin: germline.
Comment: This variant, c.193_201dup, results in the insertion of 3 amino acid(s) to the SLC25A46 protein (p.Gly65_Pro67dup), but otherwise preserves the integrity of the reading frame. This variant is not present in population databases (ExAC no frequency). This variant has not been reported in the literature in individuals with SLC25A46-related conditions. Experimental studies and prediction algorithms are not available or were not evaluated, and the functional significance of this variant is currently unknown. In summary, the available evidence is currently insufficient to determine the role of this variant in disease. Therefore, it has been classified as a Variant of Uncertain Significance.